The following is an entry in ClinVar:

ClinVar aggregate classification (germline): Conflicting classifications of pathogenicity. Review status: criteria provided, conflicting classifications (1 of 4 stars). 4 submissions from 4 submitters: Uncertain significance (2); Likely benign (2). Last evaluated 2025-10-03.

Conditions:
Hereditary cancer-predisposing syndrome. Also called: Neoplastic Syndromes, Hereditary; Tumor predisposition; Hereditary neoplastic syndrome; Hereditary Cancer Syndrome. Identifiers: Orphanet 140162, MedGen C0027672, MeSH D009386, MONDO:0015356.
Hereditary breast ovarian cancer syndrome. Also called: Hereditary breast and ovarian cancer syndrome; Hereditary breast and ovarian cancer; Hereditary breast and ovarian cancer syndrome (HBOC); Breast and ovarian cancer; Hereditary breast and/or ovarian cancer syndrome; BRCA1- and BRCA2-Associated Hereditary Breast and Ovarian Cancer. Identifiers: Orphanet 145, MedGen C0677776, MeSH D061325, MONDO:0003582. Disease mechanism: loss of function.

Submissions (4):

Labcorp Genetics (formerly Invitae), Labcorp
Classification: Uncertain significance for Hereditary breast ovarian cancer syndrome. Last evaluated: 2025-10-03. Review status: criteria provided, single submitter. Criteria: Invitae Variant Classification Sherloc (09022015). Collection method: clinical testing. Allele origin: germline.
Comment: This sequence change replaces histidine, which is basic and polar, with proline, which is neutral and non-polar, at codon 1640 of the BRCA2 protein (p.His1640Pro). This variant is not present in population databases (gnomAD no frequency). This missense change has been observed in individual(s) with breast or ovarian cancer (PMID: 29470806). ClinVar contains an entry for this variant (Variation ID: 629044). Invitae Evidence Modeling of protein sequence and biophysical properties (such as structural, functional, and spatial information, amino acid conservation, physicochemical variation, residue mobility, and thermodynamic stability) indicates that this missense variant is not expected to disrupt BRCA2 protein function with a negative predictive value of 95%. In summary, the available evidence is currently insufficient to determine the role of this variant in disease. Therefore, it has been classified as a Variant of Uncertain Significance.

Ambry Genetics
Classification: Likely benign for Hereditary cancer-predisposing syndrome. Last evaluated: 2024-05-24. Review status: criteria provided, single submitter. Criteria: Ambry Variant Classification Scheme 2023. Collection method: clinical testing. Allele origin: germline.

University of Washington Department of Laboratory Medicine, University of Washington
Classification: Likely benign for Hereditary cancer-predisposing syndrome. Last evaluated: 2023-03-23. Review status: criteria provided, single submitter. Criteria: Dines et al. (Genet Med. 2020). Collection method: curation. Allele origin: germline.
Comment: Missense variant in a coldspot region where missense variants are very unlikely to be pathogenic (PMID:31911673).

BRCA2 exon 11 coldspot. Reclassification based on statistical prior probability.

Color Diagnostics, LLC DBA Color Health
Classification: Uncertain significance for Hereditary cancer-predisposing syndrome. Last evaluated: 2019-04-19. Review status: criteria provided, single submitter. Criteria: ACMG Guidelines, 2015. Collection method: clinical testing. Allele origin: germline.

Literature cited by the submitters: PubMed 29470806 (cited by Labcorp Genetics (formerly Invitae), Labcorp and Ambry Genetics).

NM_000059.4(BRCA2):c.4919A>C (p.His1640Pro)

Gene: BRCA2 (BRCA2 DNA repair associated; plus strand). Cytogenetic location: 13q13.1.
Variant type: single nucleotide variant.
Coding change: c.4919A>C on transcript NM_000059.4 (MANE Select); coding-DNA position 4919, A replaced by C.
Protein change: p.His1640Pro; replaces histidine 1640 with proline.
Molecular consequence: missense variant.
Genome position (GRCh38, 1-based): chr13:32,339,274, A>C. VCF-style: chr13-32339274-A-C. GRCh37 (hg19) VCF-style: chr13-32913411-A-C.
Other names: short protein forms H1640P.
Identifiers: ClinVar variation 629044 (VCV000629044.16), dbSNP rs373483754, ClinGen allele CA387783615.
Genomic context (GRCh38, chr13:32,339,274, plus strand): 5'-TATGTAGACAAACTGAAAATCTCAAAACATCAAAAAGTATCTTTTTGAAAGTTAAAGTAC[A>C]TGAAAATGTAGAAAAAGAAACAGCAAAAAGTCCTGCAACTTGTTACACAAATCAGTCCCC-3'
Protein context (NP_000050.3, residues 1630-1650): SKSIFLKVKV[His1640Pro]ENVEKETAKS